The following is an entry in ClinVar:

NM_003738.5(PTCH2):c.3313G>A (p.Val1105Met)

Gene: PTCH2 (patched 2; minus strand). Cytogenetic location: 1p34.1.
Variant type: single nucleotide variant.
Coding change: c.3313G>A on transcript NM_003738.5 (MANE Select); coding-DNA position 3313, G replaced by A.
Protein change: p.Val1105Met; replaces valine 1105 with methionine.
Molecular consequence: missense variant.
Genome position (GRCh38, 1-based): chr1:44,823,113, C>T on the plus strand (G>A on the coding strand, the complement: PTCH2 is on the minus strand). VCF-style: chr1-44823113-C-T. GRCh37 (hg19) VCF-style: chr1-45288785-C-T.
Other names: c.3313G>A, p.Val1105Met (NM_001166292.2); c.3313G>A (NM_003738.4); short protein forms V1105M.
Identifiers: ClinVar variation 2197465 (VCV002197465.6), dbSNP rs745450202, ClinGen allele CA822730.

ClinVar aggregate classification (germline): Uncertain significance. Review status: criteria provided, multiple submitters, no conflicts (2 of 4 stars). 3 submissions from 3 submitters: Uncertain significance (3). Last evaluated 2024-09-21.

Conditions:
Gorlin syndrome. Also called: Nevoid Basal Cell Carcinoma Syndrome; Basal cell nevus syndrome. Identifiers: Orphanet 377, MedGen C0004779, MONDO:0007187.
Basal cell carcinoma, susceptibility to, 1. Also called: BCC1. Identifiers: MedGen C2751544, MONDO:0011556, OMIM 605462.
Medulloblastoma (MDB). Also called: MEDULLOBLASTOMA PREDISPOSITION SYNDROME; Medulloblastoma, somatic. Identifiers: Orphanet 616, MedGen C0025149, MeSH D008527, MONDO:0007959, OMIM 155255, HP:0002885.

Allele frequency attached by ClinVar (database versions not stated): ExAC 0.00001; gnomAD 0.00001; gnomAD exomes 0.00001; TOPMed 0.00002.
gnomAD v4.1: 22 of 1,613,788 alleles (0.0014%); highest among the groups gnomAD compares: Non-Finnish European, 0.0017%; no homozygotes.

Submissions (3):

Labcorp Genetics (formerly Invitae), Labcorp
Classification: Uncertain significance for Gorlin syndrome. Last evaluated: 2024-09-21. Review status: criteria provided, single submitter. Criteria: Invitae Variant Classification Sherloc (09022015). Collection method: clinical testing. Allele origin: germline.
Comment: This sequence change replaces valine, which is neutral and non-polar, with methionine, which is neutral and non-polar, at codon 1105 of the PTCH2 protein (p.Val1105Met). This variant is present in population databases (rs745450202, gnomAD 0.004%). This variant has not been reported in the literature in individuals affected with PTCH2-related conditions. ClinVar contains an entry for this variant (Variation ID: 2197465). Invitae Evidence Modeling of protein sequence and biophysical properties (such as structural, functional, and spatial information, amino acid conservation, physicochemical variation, residue mobility, and thermodynamic stability) indicates that this missense variant is not expected to disrupt PTCH2 protein function with a negative predictive value of 80%. In summary, the available evidence is currently insufficient to determine the role of this variant in disease. Therefore, it has been classified as a Variant of Uncertain Significance.

Fulgent Genetics
Classification: Uncertain significance for Medulloblastoma; Basal cell carcinoma, susceptibility to, 1. Last evaluated: 2024-01-18. Review status: criteria provided, single submitter. Criteria: ACMG Guidelines, 2015. Collection method: clinical testing. Allele origin: germline.

Ambry Genetics
Classification: Uncertain significance. Last evaluated: 2022-07-26. Review status: criteria provided, single submitter. Criteria: Ambry Variant Classification Scheme 2023. Collection method: clinical testing. Allele origin: germline.